The following is an entry in ClinVar:

ClinVar aggregate classification (germline): Likely benign (0 of 4 stars; one submission).

Conditions:
KRT75-related disorder. Also called: KRT75-related condition.

Allele frequency attached by ClinVar (database versions not stated): ExAC 0.00026; 1000 Genomes Project 0.00040; 1000 Genomes Project 30x 0.00047; gnomAD 0.00076; TOPMed 0.00082; ESP Exome Variant Server 0.00100.
gnomAD v4.1: 217 of 1,613,950 alleles (0.013%); highest among the groups gnomAD compares: African/African-American, 0.27%; 1 homozygote.

Submission:

PreventionGenetics, part of Exact Sciences
Classification: Likely benign for KRT75-related condition. Last evaluated: 2020-07-13. Review status: no assertion criteria provided. Collection method: clinical testing. Allele origin: germline.
Comment: This variant is classified as likely benign based on ACMG/AMP sequence variant interpretation guidelines (Richards et al. 2015 PMID: 25741868, with internal and published modifications).

NM_004693.3(KRT75):c.1383G>A (p.Arg461=)

Gene: KRT75 (keratin 75; minus strand). Cytogenetic location: 12q13.13.
Variant type: single nucleotide variant.
Coding change: c.1383G>A on transcript NM_004693.3 (MANE Select); coding-DNA position 1383, G replaced by A.
Protein change: p.Arg461=; no amino-acid change (arginine 461 retained).
Molecular consequence: synonymous variant.
Genome position (GRCh38, 1-based): chr12:52,426,851, C>T on the plus strand (G>A on the coding strand, the complement: KRT75 is on the minus strand). VCF-style: chr12-52426851-C-T. GRCh37 (hg19) VCF-style: chr12-52820635-C-T.
Identifiers: ClinVar variation 3034930 (VCV003034930.2), dbSNP rs146941664, ClinGen allele CA6579759.